The following is an entry in ClinVar:

NM_000271.5(NPC1):c.3276_3277del (p.Thr1093fs)

Gene: NPC1 (NPC intracellular cholesterol transporter 1; minus strand). Cytogenetic location: 18q11.2.
Variant type: Deletion.
Coding change: c.3276_3277del on transcript NM_000271.5 (MANE Select); coding-DNA positions 3276 to 3277, 2 bases deleted (GA; older notation c.3276_3277delGA).
Protein change: p.Thr1093fs; shifts the reading frame from threonine 1093.
Molecular consequence: frameshift variant.
Genome position (GRCh38, 1-based): chr18:23,535,669-23,535,670, TC deleted on the plus strand (GA on the coding strand, the reverse complement: NPC1 is on the minus strand). VCF-style (leftmost placement, unchanged base first): chr18-23535668-GTC-G. GRCh37 (hg19) VCF-style: chr18-21115632-GTC-G.
Other names: short protein forms T1093fs.
Identifiers: ClinVar variation 1725066 (VCV001725066.2), dbSNP rs2511191312, ClinGen allele CA2580095553.

ClinVar aggregate classification (germline): Likely pathogenic (1 of 4 stars; one submission).

Conditions:
Niemann-Pick disease, type C1. Also called: NEUROVISCERAL STORAGE DISEASE WITH VERTICAL SUPRANUCLEAR OPHTHALMOPLEGIA; NIEMANN-PICK DISEASE WITH CHOLESTEROL ESTERIFICATION BLOCK; NIEMANN-PICK DISEASE WITHOUT SPHINGOMYELINASE DEFICIENCY; NIEMANN-PICK DISEASE, CHRONIC NEURONOPATHIC FORM; NIEMANN-PICK DISEASE, VARIANT TYPE C1. Identifiers: Orphanet 646, MedGen C3179455, MONDO:0009757, OMIM 257220.

Submission:

Myriad Genetics, Inc.
Classification: Likely pathogenic for Niemann-Pick disease, type C1. Last evaluated: 2022-03-06. Review status: criteria provided, single submitter. Criteria: Myriad Women's Health Autosomal Recessive and X-Linked Classification Criteria (2021). Collection method: clinical testing. Allele origin: unknown.
Comment: NM_000271.4(NPC1):c.3276_3277delGA(T1093Hfs*3) is expected to be pathogenic in the context of Niemann-Pick disease type C1. This variant is predicted to lead to an abnormal or absent protein product due to the creation of a premature termination codon in NPC1, a gene where loss-of-function variants are known to be pathogenic. Please note: this variant was assessed in the context of healthy population screening.